The following is an entry in ClinVar:

ClinVar aggregate classification (germline): Pathogenic (1 of 4 stars; one submission).

Conditions:
Alagille syndrome due to a JAG1 point mutation. Also called: HEPATIC DUCTULAR HYPOPLASIA, SYNDROMATIC; JAG1-Related Alagille Syndrome; Alagille Syndrome 1. Identifiers: Orphanet 261619, Orphanet 52, MedGen C1956125, MONDO:0016862, OMIM 118450.

Submission:

Labcorp Genetics (formerly Invitae), Labcorp
Classification: Pathogenic for Alagille syndrome due to a JAG1 point mutation. Last evaluated: 2020-05-11. Review status: criteria provided, single submitter. Criteria: Invitae Variant Classification Sherloc (09022015). Collection method: clinical testing. Allele origin: germline.
Comment: For these reasons, this variant has been classified as Pathogenic. Loss-of-function variants in JAG1 are known to be pathogenic (PMID: 11180599). This variant has not been reported in the literature in individuals with JAG1-related conditions. This variant is not present in population databases (ExAC no frequency). This sequence change creates a premature translational stop signal (p.Thr219Asnfs*12) in the JAG1 gene. It is expected to result in an absent or disrupted protein product.

Literature cited by the submitters: PubMed 11180599.

NM_000214.3(JAG1):c.655dup (p.Thr219fs)

Gene: JAG1 (jagged canonical Notch ligand 1; minus strand). Cytogenetic location: 20p12.2.
Variant type: Duplication.
Coding change: c.655dup on transcript NM_000214.3 (MANE Select); coding-DNA position 655, one base duplicated (A; older notation c.655dupA).
Protein change: p.Thr219fs; shifts the reading frame from threonine 219.
Molecular consequence: frameshift variant.
Genome position (GRCh38, 1-based): chr20:10,658,507, T duplicated on the plus strand (A on the coding strand, the reverse complement: JAG1 is on the minus strand); the first of 4 consecutive T bases (chr20:10,658,507-10,658,510); duplicating any one gives the same sequence. VCF-style (leftmost placement, unchanged base first): chr20-10658506-G-GT. GRCh37 (hg19) VCF-style: chr20-10639154-G-GT.
Other names: short protein forms T219fs.
Identifiers: ClinVar variation 1073158 (VCV001073158.7), dbSNP rs2122623531, ClinGen allele CA2499225677.
Genomic context (GRCh38, chr20:10,658,506, plus strand): 5'-ACATGCACACACACACACATACCTCTGTTACATTCGGGGCCCATCCAGCCTTCCATGCAA[G>GT]TTTTGTTGCCATTCTGGTCACAGGCATAGTGTCCAAAGAAGTCATCTCTGGGGCGGCAGA-3'